The following is an entry in ClinVar:

ClinVar aggregate classification (germline): Uncertain significance. Review status: criteria provided, multiple submitters, no conflicts (2 of 4 stars). 2 submissions from 2 submitters: Uncertain significance (2). Last evaluated 2025-08-08.

Conditions:
Inborn genetic diseases. Identifiers: MedGen C0950123, MeSH D030342.

Allele frequency attached by ClinVar (database versions not stated): TOPMed below 0.00001; gnomAD exomes 0.00001; gnomAD 0.00002.
gnomAD v4.1: 11 of 1,613,824 alleles (0.00068%); highest among the groups gnomAD compares: South Asian, 0.0044%; no homozygotes.

Submissions (2):

Ambry Genetics
Classification: Uncertain significance for Inborn genetic diseases. Last evaluated: 2025-08-08. Review status: criteria provided, single submitter. Criteria: Ambry Variant Classification Scheme 2023. Collection method: clinical testing. Allele origin: germline.

Labcorp Genetics (formerly Invitae), Labcorp
Classification: Uncertain significance. Last evaluated: 2022-10-28. Review status: criteria provided, single submitter. Criteria: Invitae Variant Classification Sherloc (09022015). Collection method: clinical testing. Allele origin: germline.
Comment: In summary, the available evidence is currently insufficient to determine the role of this variant in disease. Therefore, it has been classified as a Variant of Uncertain Significance. Advanced modeling of protein sequence and biophysical properties (such as structural, functional, and spatial information, amino acid conservation, physicochemical variation, residue mobility, and thermodynamic stability) performed at Invitae indicates that this missense variant is not expected to disrupt MYH3 protein function. This variant has not been reported in the literature in individuals affected with MYH3-related conditions. This variant is present in population databases (no rsID available, gnomAD 0.003%). This sequence change replaces isoleucine, which is neutral and non-polar, with threonine, which is neutral and polar, at codon 1674 of the MYH3 protein (p.Ile1674Thr).

NM_002470.4(MYH3):c.5021T>C (p.Ile1674Thr)

Gene: MYH3 (myosin heavy chain 3; minus strand). Cytogenetic location: 17p13.1.
Variant type: single nucleotide variant.
Coding change: c.5021T>C on transcript NM_002470.4 (MANE Select); coding-DNA position 5021, T replaced by C.
Protein change: p.Ile1674Thr; replaces isoleucine 1674 with threonine.
Molecular consequence: missense variant.
Genome position (GRCh38, 1-based): chr17:10,631,952, A>G on the plus strand (T>C on the coding strand, the complement: MYH3 is on the minus strand). VCF-style: chr17-10631952-A-G. GRCh37 (hg19) VCF-style: chr17-10535269-A-G.
Other names: short protein forms I1674T.
Identifiers: ClinVar variation 2550642 (VCV002550642.6), dbSNP rs1420430206, ClinGen allele CA398135570.